The following is an entry in ClinVar:

NM_000733.4(CD3E):c.278G>A (p.Ser93Asn)

Gene: CD3E (CD3 epsilon subunit of T-cell receptor complex; plus strand). Cytogenetic location: 11q23.3.
Variant type: single nucleotide variant.
Coding change: c.278G>A on transcript NM_000733.4 (MANE Select); coding-DNA position 278, G replaced by A.
Protein change: p.Ser93Asn; replaces serine 93 with asparagine.
Molecular consequence: missense variant.
Genome position (GRCh38, 1-based): chr11:118,312,792, G>A. VCF-style: chr11-118312792-G-A. GRCh37 (hg19) VCF-style: chr11-118183507-G-A.
Other names: short protein forms S93N.
Identifiers: ClinVar variation 4730755 (VCV004730755.1).
Genomic context (GRCh38, chr11:118,312,792, plus strand): 5'-AAAACATAGGCAGTGATGAGGATCACCTGTCACTGAAGGAATTTTCAGAATTGGAGCAAA[G>A]TGGTTATTATGTCTGCTACCCCAGAGGAAGCAAACCAGAAGATGCGAACTTTTATCTCTA-3'
Protein context (NP_000724.1, residues 83-103): SLKEFSELEQ[Ser93Asn]GYYVCYPRGS

ClinVar aggregate classification (germline): Uncertain significance (1 of 4 stars; one submission).

Conditions:
Immunodeficiency 18 (IMD18). Also called: CD3-EPSILON DEFICIENCY; CD3epsilon deficiency. Identifiers: MedGen C3810127, MONDO:0014278, OMIM 615615.

Submission:

Labcorp Genetics (formerly Invitae), Labcorp
Classification: Uncertain significance for Immunodeficiency 18. Last evaluated: 2025-11-16. Review status: criteria provided, single submitter. Criteria: Invitae Variant Classification Sherloc (09022015). Collection method: clinical testing. Allele origin: germline.
Comment: This sequence change replaces serine, which is neutral and polar, with asparagine, which is neutral and polar, at codon 93 of the CD3E protein (p.Ser93Asn). This variant is not present in population databases (gnomAD no frequency). This variant has not been reported in the literature in individuals affected with CD3E-related conditions. An algorithm developed to predict the effect of missense changes on protein structure and function outputs the following: PolyPhen-2: "Benign". The asparagine amino acid residue is found in multiple mammalian species, which suggests that this missense change does not adversely affect protein function. In summary, the available evidence is currently insufficient to determine the role of this variant in disease. Therefore, it has been classified as a Variant of Uncertain Significance.